The following is an entry in ClinVar:

ClinVar aggregate classification (germline): Pathogenic/Likely pathogenic. Review status: criteria provided, multiple submitters, no conflicts (2 of 4 stars). 2 submissions from 2 submitters: Pathogenic (1); Likely pathogenic (1). Last evaluated 2022-06-27.

Conditions:
STAT3 gain of function. Identifiers: MedGen C4288261.
Hyper-IgE recurrent infection syndrome 1, autosomal dominant. Also called: Job's Syndrome; STAT3 Hyper IgE Syndrome; Hyper-IgE recurrent infection syndrome 1; HYPER-IgE SYNDROME 1, AUTOSOMAL DOMINANT, WITH RECURRENT INFECTIONS; JOB SYNDROME. Identifiers: Orphanet 2314, MedGen C2936739, MONDO:0007818, OMIM 147060.

Submissions (2):

Labcorp Genetics (formerly Invitae), Labcorp
Classification: Pathogenic for STAT3 gain of function; Hyper-IgE recurrent infection syndrome 1, autosomal dominant. Last evaluated: 2022-06-27. Review status: criteria provided, single submitter. Criteria: Invitae Variant Classification Sherloc (09022015). Collection method: clinical testing. Allele origin: germline.
Comment: This sequence change replaces isoleucine, which is neutral and non-polar, with asparagine, which is neutral and polar, at codon 659 of the STAT3 protein (p.Ile659Asn). This variant is not present in population databases (gnomAD no frequency). This missense change has been observed in individual(s) with clinical features of hyper IgE syndrome (Invitae). In at least one individual the variant was observed to be de novo. ClinVar contains an entry for this variant (Variation ID: 495061). Advanced modeling of protein sequence and biophysical properties (such as structural, functional, and spatial information, amino acid conservation, physicochemical variation, residue mobility, and thermodynamic stability) performed at Invitae indicates that this missense variant is expected to disrupt STAT3 protein function. For these reasons, this variant has been classified as Pathogenic.

Center of Genomic medicine, Geneva, University Hospital of Geneva
Classification: Likely pathogenic for Hyper-IgE recurrent infection syndrome 1, autosomal dominant. Last evaluated: 2017-09-25. Review status: criteria provided, single submitter. Criteria: ACMG Guidelines, 2015. Collection method: clinical testing. Allele origin: de novo. Affected: yes.
Comment: This missense variant in the STAT3 gene was identified in twin sisters with suspicion of Job syndrome, with multiple infections and pansynostosis.

NM_139276.3(STAT3):c.1976T>A (p.Ile659Asn)

Gene: STAT3 (signal transducer and activator of transcription 3; minus strand). Cytogenetic location: 17q21.2.
Variant type: single nucleotide variant.
Coding change: c.1976T>A on transcript NM_139276.3 (MANE Select); coding-DNA position 1976, T replaced by A.
Protein change: p.Ile659Asn; replaces isoleucine 659 with asparagine.
Molecular consequence: missense variant.
Genome position (GRCh38, 1-based): chr17:42,322,407, A>T on the plus strand (T>A on the coding strand, the complement: STAT3 is on the minus strand). VCF-style: chr17-42322407-A-T. GRCh37 (hg19) VCF-style: chr17-40474425-A-T.
Other names: c.1976T>A, p.Ile659Asn (NM_001369512.1, NM_001369513.1, NM_001369514.1 and 9 more transcripts); c.1991T>A, p.Ile664Asn (NM_001384990.1, NM_001384986.1); c.1949T>A, p.Ile650Asn (NM_001384991.1); c.1916T>A, p.Ile639Asn (NM_001384992.1); c.1892T>A, p.Ile631Asn (NM_001384984.1); c.1898T>A, p.Ile633Asn (NM_001384985.1); c.1955T>A, p.Ile652Asn (NM_001384987.1); c.1880T>A, p.Ile627Asn (NM_001384989.1); short protein forms I659N, I627N, I631N, I633N, I639N, I650N, I652N, I664N.
Identifiers: ClinVar variation 495061 (VCV000495061.11), dbSNP rs1555563717, ClinGen allele CA399581938.